The following is an entry in ClinVar:

ClinVar aggregate classification (germline): Uncertain significance. Review status: criteria provided, multiple submitters, no conflicts (2 of 4 stars). 2 submissions from 2 submitters: Uncertain significance (2). Last evaluated 2024-03-21.

Conditions:
Jeune thoracic dystrophy. Also called: Jeune syndrome; Infantile thoracic dystrophy; Thoracic pelvic phalangeal dystrophy; Jeune's syndrome; Chondroectodermal dysplasia-like syndrome; Short-rib thoracic dysplasia. Identifiers: Orphanet 474, MedGen C0265275, MONDO:0018770.
Nephronophthisis. Also called: Juvenile Nephronophthisis. Identifiers: Orphanet 655, MedGen C0687120, MONDO:0019005, HP:0000090.
Nephronophthisis 12 (NPHP12). Identifiers: Orphanet 655, MedGen C3151186, MONDO:0013442, OMIM 613820.
Asphyxiating thoracic dystrophy 4 (SRTD4). Also called: SHORT-RIB THORACIC DYSPLASIA 4 WITH OR WITHOUT POLYDACTYLY; SHORT-RIB THORACIC DYSPLASIA 4. Identifiers: Orphanet 474, MedGen C3151185, MONDO:0013441, OMIM 613819.

Allele frequency attached by ClinVar (database versions not stated): gnomAD exomes below 0.00001; TOPMed below 0.00001.

Submissions (2):

Fulgent Genetics
Classification: Uncertain significance for Asphyxiating thoracic dystrophy 4; Nephronophthisis 12. Last evaluated: 2024-03-21. Review status: criteria provided, single submitter. Criteria: ACMG Guidelines, 2015. Collection method: clinical testing. Allele origin: germline.

Labcorp Genetics (formerly Invitae), Labcorp
Classification: Uncertain significance for Jeune thoracic dystrophy; Nephronophthisis. Last evaluated: 2022-07-26. Review status: criteria provided, single submitter. Criteria: Invitae Variant Classification Sherloc (09022015). Collection method: clinical testing. Allele origin: germline.
Comment: In summary, the available evidence is currently insufficient to determine the role of this variant in disease. Therefore, it has been classified as a Variant of Uncertain Significance. Algorithms developed to predict the effect of missense changes on protein structure and function are either unavailable or do not agree on the potential impact of this missense change (SIFT: "Deleterious"; PolyPhen-2: "Possibly Damaging"; Align-GVGD: "Class C0"). This variant has not been reported in the literature in individuals affected with TTC21B-related conditions. This variant is not present in population databases (gnomAD no frequency). This sequence change replaces histidine, which is basic and polar, with arginine, which is basic and polar, at codon 1156 of the TTC21B protein (p.His1156Arg).

NM_024753.5(TTC21B):c.3467A>G (p.His1156Arg)

Gene: TTC21B (tetratricopeptide repeat domain 21B; minus strand). Cytogenetic location: 2q24.3.
Variant type: single nucleotide variant.
Coding change: c.3467A>G on transcript NM_024753.5 (MANE Select); coding-DNA position 3467, A replaced by G.
Protein change: p.His1156Arg; replaces histidine 1156 with arginine.
Molecular consequence: missense variant.
Genome position (GRCh38, 1-based): chr2:165,884,011, T>C on the plus strand (A>G on the coding strand, the complement: TTC21B is on the minus strand). VCF-style: chr2-165884011-T-C. GRCh37 (hg19) VCF-style: chr2-166740521-T-C.
Other names: short protein forms H1156R.
Identifiers: ClinVar variation 2140816 (VCV002140816.5), dbSNP rs1471953257, ClinGen allele CA349047338.
Genomic context (GRCh38, chr2:165,884,011, plus strand): 5'-GCTCGTGGAGTCTGTTTCAAGATCATATAAGCCGTTGCCATTCCCAAGAGCGCTGGGATA[T>C]GCTCCTTCTATAAGAAAACAAAATTTTAGACCATAAGATGCATAAACATAAATGCCCCAA-3'
Protein context (NP_079029.3, residues 1146-1166): FTEIAASEKE[His1156Arg]IPALLGMATA